The following is an entry in ClinVar:

ClinVar aggregate classification (germline): Uncertain significance (1 of 4 stars; one submission).

Conditions:
Wilson disease (WND). Also called: Wilson's disease. Identifiers: Orphanet 905, MedGen C0019202, MONDO:0010200, OMIM 277900. Disease mechanism: loss of function.

Allele frequency attached by ClinVar (database versions not stated): gnomAD exomes below 0.00001.
gnomAD v4.1: 2 of 1,614,256 alleles (0.00012%); highest among the groups gnomAD compares: Non-Finnish European, 0.00017%; no homozygotes.

Submission:

All of Us Research Program, National Institutes of Health
Classification: Uncertain significance for Wilson disease. Last evaluated: 2023-11-30. Review status: criteria provided, single submitter. Criteria: ACMG Guidelines, 2015. Collection method: clinical testing. Allele origin: germline. Inheritance: Autosomal recessive inheritance. Observed: 4 variant alleles, 4 heterozygotes.
Comment: This missense variant replaces glutamic acid with glycine at codon 418 of the ATP7B protein. Computational prediction suggests that this variant may have deleterious impact on protein structure and function (internally defined REVEL score threshold >= 0.7, PMID: 27666373). To our knowledge, functional studies have not been reported for this variant. This variant has not been reported in individuals affected with ATP7B-related disorders in the literature. This variant has not been identified in the general population by the Genome Aggregation Database (gnomAD). The available evidence is insufficient to determine the role of this variant in disease conclusively. Therefore, this variant is classified as a Variant of Uncertain Significance.

This study involves interpretation of variants in research participants for the purpose of population health screening. Participant phenotype was not available at the time of variant classification. Additional details can be found in publication PMID: 35346344, PMCID: PMC8962531

NM_000053.4(ATP7B):c.1253A>G (p.Glu418Gly)

Gene: ATP7B (ATPase copper transporting beta; minus strand). Cytogenetic location: 13q14.3.
Variant type: single nucleotide variant.
Coding change: c.1253A>G on transcript NM_000053.4 (MANE Select); coding-DNA position 1253, A replaced by G.
Protein change: p.Glu418Gly; replaces glutamic acid 418 with glycine.
Molecular consequence: missense variant.
Genome position (GRCh38, 1-based): chr13:51,973,967, T>C on the plus strand (A>G on the coding strand, the complement: ATP7B is on the minus strand). VCF-style: chr13-51973967-T-C. GRCh37 (hg19) VCF-style: chr13-52548103-T-C.
Other names: c.1253A>G, p.Glu418Gly (NM_001005918.3, NM_001330578.2, NM_001330579.2 and 29 more transcripts); c.920A>G, p.Glu307Gly (NM_001243182.2); c.1157A>G, p.Glu386Gly (NM_001406517.1, NM_001406518.1, NM_001406536.1 and 3 more transcripts); c.824A>G, p.Glu275Gly (NM_001406539.1); short protein forms E275G, E307G, E386G, E418G.
Identifiers: ClinVar variation 3072796 (VCV003072796.1), dbSNP rs2547813217, ClinGen allele CA388038106.
Genomic context (GRCh38, chr13:51,973,967, plus strand): 5'-CAGGACATGCCTCAAACACACTACGTACCAGAAACGACTGAAGCCTCAAATCCCATGTCT[T>C]CTATAGCAGCTCTGAGTTCTTCTGGGCTAATTACAGAGGGATTATAAAGAACTGTTGCAG-3'
Protein context (NP_000044.2, residues 408-428): ISPEELRAAI[Glu418Gly]DMGFEASVVS